The following is an entry in ClinVar:

ClinVar aggregate classification (germline): Benign (1 of 4 stars; one submission).

Conditions:
MHC class II deficiency. Also called: Bare lymphocyte syndrome 2; BLS, TYPE II. Identifiers: Orphanet 572, MedGen C5447452, MONDO:0008855.

Allele frequency attached by ClinVar (database versions not stated): gnomAD 0.00046 and 0.00079; TOPMed 0.00135; 1000 Genomes Project 30x 0.00344; 1000 Genomes Project 0.00379.

Submission:

Illumina Laboratory Services, Illumina
Classification: Benign for MHC class II deficiency 1. Last evaluated: 2018-01-13. Review status: criteria provided, single submitter. Criteria: ICSL Variant Classification Criteria 13 December 2019. Collection method: clinical testing. Allele origin: germline.
Comment: This variant was observed in the ICSL laboratory as part of a predisposition screen in an ostensibly healthy population. It had not been previously curated by ICSL or reported in the Human Gene Mutation Database (HGMD: prior to June 1st, 2018), and was therefore a candidate for classification through an automated scoring system. Utilizing variant allele frequency, disease prevalence and penetrance estimates, and inheritance mode, an automated score was calculated to assess if this variant is too frequent to cause the disease. Based on the score and internal cut-off values, a variant classified as benign is not then subjected to further curation. The score for this variant resulted in a classification of benign for this disease.

NM_000246.4(CIITA):c.*1126T>G

Gene: CIITA (class II major histocompatibility complex transactivator; plus strand). Cytogenetic location: 16p13.13.
Variant type: single nucleotide variant.
Coding change: c.*1126T>G on transcript NM_000246.4 (MANE Select); 1126 bases downstream of the stop codon, T replaced by G.
Molecular consequence: 3 prime UTR variant. On other transcripts: non-coding transcript variant (1), intron variant (5).
Genome position (GRCh38, 1-based): chr16:10,924,981, T>G. VCF-style: chr16-10924981-T-G. GRCh37 (hg19) VCF-style: chr16-11018838-T-G.
Other names: c.*1126T>G (NM_001286402.1, NM_001286403.2); c.*22+1656T>G (NM_001379332.1, NM_001379330.1, NM_001379333.1 and 2 more transcripts).
Identifiers: ClinVar variation 887854 (VCV000887854.4), dbSNP rs145729250, ClinGen allele CA277692682.
Genomic context (GRCh38, chr16:10,924,981, plus strand): 5'-TGGTTATCTAATATGTAACAAGCCACCCCAAATCATAGTGGCTTAAAACAACACTCACAT[T>G]TATTCTGCTCACATATCTGTCATTTGAGCAGGGCTCAGCGGGGACAGCTCCTTCTGTCCT-3'